The following is an entry in ClinVar:

NM_015909.4(NBAS):c.3760A>G (p.Thr1254Ala)

Gene: NBAS (NBAS subunit of NRZ tethering complex; minus strand). Cytogenetic location: 2p24.3.
Variant type: single nucleotide variant.
Coding change: c.3760A>G on transcript NM_015909.4 (MANE Select); coding-DNA position 3760, A replaced by G.
Protein change: p.Thr1254Ala; replaces threonine 1254 with alanine.
Molecular consequence: missense variant. On other transcripts: non-coding transcript variant (1).
Genome position (GRCh38, 1-based): chr2:15,366,637, T>C on the plus strand (A>G on the coding strand, the complement: NBAS is on the minus strand). VCF-style: chr2-15366637-T-C. GRCh37 (hg19) VCF-style: chr2-15506761-T-C.
Other names: c.3760A>G (NM_015909.2); short protein forms T1254A.
Identifiers: ClinVar variation 1519036 (VCV001519036.7), dbSNP rs137946600, ClinGen allele CA1535919.
Genomic context (GRCh38, chr2:15,366,637, plus strand): 5'-TACCTGCAACCCTCAGCAGCTCAGCAAGGCCCAGAAGCTTGGTGGATTGTTTATAGCATG[T>C]GGGGGACTGGGAAATACACTCCTTGATGAGACTGATCCGATCAGGGCACAATCGCACTAC-3'
Protein context (NP_056993.2, residues 1244-1264): LIKECISQSP[Thr1254Ala]CYKQSTKLLG

ClinVar aggregate classification (germline): Uncertain significance. Review status: criteria provided, multiple submitters, no conflicts (2 of 4 stars). 2 submissions from 2 submitters: Uncertain significance (2). Last evaluated 2025-12-03.

Conditions:
Inborn genetic diseases. Identifiers: MedGen C0950123, MeSH D030342.

Allele frequency attached by ClinVar (database versions not stated): ExAC 0.00001; gnomAD exomes 0.00009 and 0.00004; TOPMed 0.00004; ESP Exome Variant Server 0.00008; gnomAD 0.00004.
gnomAD v4.1: 156 of 1,613,936 alleles (0.0097%); highest among the groups gnomAD compares: Non-Finnish European, 0.011%; no homozygotes.

Submissions (2):

Ambry Genetics
Classification: Uncertain significance for Inborn genetic diseases. Last evaluated: 2025-12-03. Review status: criteria provided, single submitter. Criteria: Ambry Variant Classification Scheme 2023. Collection method: clinical testing. Allele origin: germline.

Labcorp Genetics (formerly Invitae), Labcorp
Classification: Uncertain significance. Last evaluated: 2024-12-09. Review status: criteria provided, single submitter. Criteria: Invitae Variant Classification Sherloc (09022015). Collection method: clinical testing. Allele origin: germline.
Comment: This sequence change replaces threonine, which is neutral and polar, with alanine, which is neutral and non-polar, at codon 1254 of the NBAS protein (p.Thr1254Ala). This variant is present in population databases (rs137946600, gnomAD 0.007%). This variant has not been reported in the literature in individuals affected with NBAS-related conditions. ClinVar contains an entry for this variant (Variation ID: 1519036). Invitae Evidence Modeling of protein sequence and biophysical properties (such as structural, functional, and spatial information, amino acid conservation, physicochemical variation, residue mobility, and thermodynamic stability) indicates that this missense variant is not expected to disrupt NBAS protein function with a negative predictive value of 95%. In summary, the available evidence is currently insufficient to determine the role of this variant in disease. Therefore, it has been classified as a Variant of Uncertain Significance.